The following is an entry in ClinVar:

NM_004629.2(FANCG):c.283G>A (p.Asp95Asn)

Gene: FANCG (FA complementation group G; minus strand). Cytogenetic location: 9p13.3.
Variant type: single nucleotide variant.
Coding change: c.283G>A on transcript NM_004629.2 (MANE Select); coding-DNA position 283, G replaced by A.
Protein change: p.Asp95Asn; replaces aspartic acid 95 with asparagine.
Molecular consequence: missense variant.
Genome position (GRCh38, 1-based): chr9:35,078,629, C>T on the plus strand (G>A on the coding strand, the complement: FANCG is on the minus strand). VCF-style: chr9-35078629-C-T. GRCh37 (hg19) VCF-style: chr9-35078626-C-T.
Other names: short protein forms D95N.
Identifiers: ClinVar variation 4022469 (VCV004022469.2).

ClinVar aggregate classification (germline): Uncertain significance. Review status: criteria provided, single submitter (1 of 4 stars). 2 submissions from 2 submitters: Uncertain significance (1). 1 of the submissions does not count toward it. Last evaluated 2025-03-30.

Conditions:
Fanconi anemia complementation group G. Also called: Fanconi anemia group G; FANCG-Related Fanconi Anemia. Identifiers: Orphanet 84, MedGen C3469527, MONDO:0013565, OMIM 614082.
Inborn genetic diseases. Identifiers: MedGen C0950123, MeSH D030342.

Submissions (2):

Ambry Genetics
Classification: Uncertain significance for Inborn genetic diseases. Last evaluated: 2025-03-30. Review status: criteria provided, single submitter. Criteria: Ambry Variant Classification Scheme 2023. Collection method: clinical testing. Allele origin: germline.
Comment: The p.D95N variant (also known as c.283G>A), located in coding exon 3 of the FANCG gene, results from a G to A substitution at nucleotide position 283. The aspartic acid at codon 95 is replaced by asparagine, an amino acid with highly similar properties. This amino acid position is conserved. In addition, this alteration is predicted to be tolerated by in silico analysis. Based on the available evidence, the clinical significance of this variant remains unclear.

Natera, Inc.
Classification: Uncertain significance for Fanconi anemia group G. Last evaluated: 2025-05-30. Review status: no assertion criteria provided. Collection method: clinical testing. Allele origin: germline. Not counted in ClinVar's aggregate classification.